The following is an entry in ClinVar:

ClinVar aggregate classification (germline): Uncertain significance. Review status: criteria provided, multiple submitters, no conflicts (2 of 4 stars). 2 submissions from 2 submitters: Uncertain significance (2). Last evaluated 2024-10-08.

Conditions:
Hereditary cancer-predisposing syndrome. Also called: Hereditary Cancer Syndrome; Hereditary neoplastic syndrome; Neoplastic Syndromes, Hereditary; Tumor predisposition. Identifiers: Orphanet 140162, MedGen C0027672, MeSH D009386, MONDO:0015356.
Oligodontia-cancer predisposition syndrome. Also called: TOOTH AGENESIS-COLORECTAL CANCER SYNDROME. Identifiers: Orphanet 300576, MedGen C1837750, MONDO:0012075, OMIM 608615. Disease mechanism: loss of function.

Submissions (2):

Labcorp Genetics (formerly Invitae), Labcorp
Classification: Uncertain significance for Oligodontia-cancer predisposition syndrome. Last evaluated: 2024-10-08. Review status: criteria provided, single submitter. Criteria: Invitae Variant Classification Sherloc (09022015). Collection method: clinical testing. Allele origin: germline.
Comment: This sequence change replaces alanine, which is neutral and non-polar, with proline, which is neutral and non-polar, at codon 599 of the AXIN2 protein (p.Ala599Pro). This variant is not present in population databases (gnomAD no frequency). This variant has not been reported in the literature in individuals affected with AXIN2-related conditions. ClinVar contains an entry for this variant (Variation ID: 408770). An algorithm developed to predict the effect of missense changes on protein structure and function outputs the following: PolyPhen-2: "Benign". The proline amino acid residue is found in multiple mammalian species, which suggests that this missense change does not adversely affect protein function. In summary, the available evidence is currently insufficient to determine the role of this variant in disease. Therefore, it has been classified as a Variant of Uncertain Significance.

Ambry Genetics
Classification: Uncertain significance for Hereditary cancer-predisposing syndrome. Last evaluated: 2021-06-15. Review status: criteria provided, single submitter. Criteria: Ambry Variant Classification Scheme 2023. Collection method: clinical testing. Allele origin: germline.
Comment: The p.A599P variant (also known as c.1795G>C), located in coding exon 6 of the AXIN2 gene, results from a G to C substitution at nucleotide position 1795. The alanine at codon 599 is replaced by proline, an amino acid with highly similar properties. This amino acid position is conserved. In addition, this alteration is predicted to be tolerated by in silico analysis. Since supporting evidence is limited at this time, the clinical significance of this alteration remains unclear.

NM_004655.4(AXIN2):c.1795G>C (p.Ala599Pro)

Gene: AXIN2 (axin 2; minus strand). Cytogenetic location: 17q24.1.
Variant type: single nucleotide variant.
Coding change: c.1795G>C on transcript NM_004655.4 (MANE Select); coding-DNA position 1795, G replaced by C.
Protein change: p.Ala599Pro; replaces alanine 599 with proline.
Molecular consequence: missense variant. On other transcripts: intron variant (1).
Genome position (GRCh38, 1-based): chr17:65,536,981, C>G on the plus strand (G>C on the coding strand, the complement: AXIN2 is on the minus strand). VCF-style: chr17-65536981-C-G. GRCh37 (hg19) VCF-style: chr17-63533099-C-G.
Other names: c.1795G>C (LRG_296t1); c.1712+343G>C (NM_001363813.1); short protein forms A599P.
Identifiers: ClinVar variation 408770 (VCV000408770.11), dbSNP rs1060502129, ClinGen allele CA16615906.